The following is an entry in ClinVar:

ClinVar aggregate classification (germline): Uncertain significance (1 of 4 stars; one submission).

Conditions:
Autosomal recessive polycystic kidney disease (ARPKD). Also called: AR polycystic kidney disease. Identifiers: Orphanet 731, Orphanet 8378, MedGen C0085548, MeSH D017044, MONDO:0009889.

Allele frequency attached by ClinVar (database versions not stated): TOPMed below 0.00001; gnomAD exomes 0.00001.
gnomAD v4.1: 15 of 1,595,160 alleles (0.00094%); highest among the groups gnomAD compares: Non-Finnish European, 0.001%; no homozygotes.

Submission:

Broad Center for Mendelian Genomics, Broad Institute of MIT and Harvard
Classification: Uncertain significance for Polycystic kidney disease 4. Last evaluated: 2018-06-15. Review status: criteria provided, single submitter. Criteria: ACMG Guidelines, 2015. Collection method: research. Allele origin: germline. Inheritance: Autosomal recessive inheritance. Affected: yes.
Comment: This variant was absent from large population studies. The Proline (Pro) at position 126 is conserved in mammals and evolutionarily distant species, raising the possibility that a change at this position may not be tolerated. Computational prediction tools suggest that this variant may impact the protein, though this information is not predictive enough to determine pathogenicity. In summary, the clinical significance of thhis variant is uncertain.

NM_001009944.3(PKD1):c.377C>T (p.Pro126Leu)

Gene: PKD1 (polycystin 1, transient receptor potential channel interacting; minus strand). Cytogenetic location: 16p13.3.
Variant type: single nucleotide variant.
Coding change: c.377C>T on transcript NM_001009944.3 (MANE Select); coding-DNA position 377, C replaced by T.
Protein change: p.Pro126Leu; replaces proline 126 with leucine.
Molecular consequence: missense variant.
Genome position (GRCh38, 1-based): chr16:2,118,828, G>A on the plus strand (C>T on the coding strand, the complement: PKD1 is on the minus strand). VCF-style: chr16-2118828-G-A. GRCh37 (hg19) VCF-style: chr16-2168829-G-A.
Other names: c.377C>T, p.Pro126Leu (NM_000296.4); short protein forms P126L.
Identifiers: ClinVar variation 635076 (VCV000635076.1), dbSNP rs1567219166, ClinGen allele CA394395695.